The following is an entry in ClinVar:

NM_003660.4(PPFIA3):c.1198C>T (p.Arg400Trp)

Gene: PPFIA3 (PPFI scaffold protein A3; plus strand). Cytogenetic location: 19q13.33.
Variant type: single nucleotide variant.
Coding change: c.1198C>T on transcript NM_003660.4 (MANE Select); coding-DNA position 1198, C replaced by T.
Protein change: p.Arg400Trp; replaces arginine 400 with tryptophan.
Molecular consequence: missense variant. On other transcripts: non-coding transcript variant (1).
Genome position (GRCh38, 1-based): chr19:49,133,832, C>T. VCF-style: chr19-49133832-C-T. GRCh37 (hg19) VCF-style: chr19-49637089-C-T.
Other names: short protein forms R400W.
Identifiers: ClinVar variation 3573664 (VCV003573664.3).

ClinVar aggregate classification (germline): Uncertain significance (1 of 4 stars; one submission).

Submission:

GeneDx
Classification: Uncertain significance. Last evaluated: 2026-10-05. Review status: criteria provided, single submitter. Criteria: GeneDx Variant Classification Process June 2021. Collection method: clinical testing. Allele origin: germline.
Comment: Not observed at significant frequency in large population cohorts (gnomAD); In silico analysis supports that this missense variant has a deleterious effect on protein structure/function; Has not been previously published as pathogenic or benign to our knowledge